The following is an entry in ClinVar:

ClinVar aggregate classification (germline): Benign. Review status: criteria provided, multiple submitters, no conflicts (2 of 4 stars). 3 submissions from 3 submitters: Benign (3). Last evaluated 2021-05-05.

Conditions:
Dicarboxylic aminoaciduria (DCBXA). Also called: GLUTAMATE-ASPARTATE TRANSPORT DEFECT. Identifiers: Orphanet 2195, MedGen C1857253, MONDO:0009110, OMIM 222730.

Allele frequency attached by ClinVar (database versions not stated): gnomAD exomes 0.00575 and 0.01489; ExAC 0.01822; 1000 Genomes Project 0.05471; gnomAD 0.05625 and 0.06048; 1000 Genomes Project 30x 0.06137; TOPMed 0.06377; ESP Exome Variant Server 0.06520.
gnomAD v4.1: 17,317 of 1,610,308 alleles (1.1%); highest among the groups gnomAD compares: African/African-American, 19%; 1,420 homozygotes.

Submissions (3):

GeneDx
Classification: Benign. Last evaluated: 2021-05-05. Review status: criteria provided, single submitter. Criteria: GeneDx Variant Classification Process June 2021. Collection method: clinical testing. Allele origin: germline. Affected: yes.

Illumina Laboratory Services, Illumina
Classification: Benign for Dicarboxylic aminoaciduria. Last evaluated: 2018-01-12. Review status: criteria provided, single submitter. Criteria: ICSL Variant Classification Criteria 13 December 2019. Collection method: clinical testing. Allele origin: germline.
Comment: This variant was observed in the ICSL laboratory as part of a predisposition screen in an ostensibly healthy population. It had not been previously curated by ICSL or reported in the Human Gene Mutation Database (HGMD: prior to June 1st, 2018), and was therefore a candidate for classification through an automated scoring system. Utilizing variant allele frequency, disease prevalence and penetrance estimates, and inheritance mode, an automated score was calculated to assess if this variant is too frequent to cause the disease. Based on the score and internal cut-off values, a variant classified as benign is not then subjected to further curation. The score for this variant resulted in a classification of benign for this disease.

Breakthrough Genomics
Classification: Benign. Review status: criteria provided, single submitter. Criteria: ACMG Guidelines, 2015. Collection method: not provided. Allele origin: germline. Inheritance: Autosomal recessive inheritance. Affected: yes.

NM_004170.6(SLC1A1):c.441-11G>A

Gene: SLC1A1 (solute carrier family 1 member 1; plus strand). Cytogenetic location: 9p24.2.
Variant type: single nucleotide variant.
Coding change: c.441-11G>A on transcript NM_004170.6 (MANE Select); 11 bases into the intron before coding-DNA position 441, G replaced by A.
Molecular consequence: intron variant.
Genome position (GRCh38, 1-based): chr9:4,566,036, G>A. VCF-style: chr9-4566036-G-A. GRCh37 (hg19) VCF-style: chr9-4566036-G-A.
Identifiers: ClinVar variation 367043 (VCV000367043.8), dbSNP rs73383440, ClinGen allele CA4968996.